The following is an entry in ClinVar:

ClinVar aggregate classification (germline): Uncertain significance (1 of 4 stars; one submission).

Allele frequency attached by ClinVar (database versions not stated): gnomAD exomes below 0.00001; TOPMed below 0.00001.
gnomAD v4.1: 1 of 1,613,792 alleles (0.000062%); highest among the groups gnomAD compares: Admixed American, 0.0017%; no homozygotes.

Submission:

Labcorp Genetics (formerly Invitae), Labcorp
Classification: Uncertain significance. Last evaluated: 2025-04-14. Review status: criteria provided, single submitter. Criteria: Invitae Variant Classification Sherloc (09022015). Collection method: clinical testing. Allele origin: germline.
Comment: This sequence change replaces lysine, which is basic and polar, with glutamic acid, which is acidic and polar, at codon 179 of the PDSS2 protein (p.Lys179Glu). This variant is not present in population databases (gnomAD no frequency). This variant has not been reported in the literature in individuals affected with PDSS2-related conditions. ClinVar contains an entry for this variant (Variation ID: 1371423). Invitae Evidence Modeling of protein sequence and biophysical properties (such as structural, functional, and spatial information, amino acid conservation, physicochemical variation, residue mobility, and thermodynamic stability) indicates that this missense variant is not expected to disrupt PDSS2 protein function with a negative predictive value of 80%. In summary, the available evidence is currently insufficient to determine the role of this variant in disease. Therefore, it has been classified as a Variant of Uncertain Significance.

NM_020381.4(PDSS2):c.535A>G (p.Lys179Glu)

Gene: PDSS2 (decaprenyl diphosphate synthase subunit 2; minus strand). Cytogenetic location: 6q21.
Variant type: single nucleotide variant.
Coding change: c.535A>G on transcript NM_020381.4 (MANE Select); coding-DNA position 535, A replaced by G.
Protein change: p.Lys179Glu; replaces lysine 179 with glutamic acid.
Molecular consequence: missense variant.
Genome position (GRCh38, 1-based): chr6:107,274,124, T>C on the plus strand (A>G on the coding strand, the complement: PDSS2 is on the minus strand). VCF-style: chr6-107274124-T-C. GRCh37 (hg19) VCF-style: chr6-107595328-T-C.
Other names: short protein forms K179E.
Identifiers: ClinVar variation 1371423 (VCV001371423.8), dbSNP rs1775693045, ClinGen allele CA365324385.